The following is an entry in ClinVar:

ClinVar aggregate classification (germline): Uncertain significance. Review status: criteria provided, single submitter (1 of 4 stars). 2 submissions from 2 submitters: Uncertain significance (1). 1 of the submissions does not count toward it. Last evaluated 2023-09-18.

Conditions:
Cardiovascular phenotype. Identifiers: MedGen CN230736.
Meniere disease. Also called: Ménière's disease. Identifiers: MedGen C0025281, MONDO:0007972, OMIM 156000.

Allele frequency attached by ClinVar (database versions not stated): TOPMed below 0.00001; gnomAD 0.00001; gnomAD exomes 0.00002.
gnomAD v4.1: 19 of 1,613,738 alleles (0.0012%); highest among the groups gnomAD compares: Non-Finnish European, 0.0016%; no homozygotes.

Submissions (2):

Ambry Genetics
Classification: Uncertain significance for Cardiovascular phenotype. Last evaluated: 2023-09-18. Review status: criteria provided, single submitter. Criteria: Ambry Variant Classification Scheme 2023. Collection method: clinical testing. Allele origin: germline.
Comment: The p.N17D variant (also known as c.49A>G), located in coding exon 1 of the ANK2 gene, results from an A to G substitution at nucleotide position 49. The asparagine at codon 17 is replaced by aspartic acid, an amino acid with highly similar properties. This amino acid position is highly conserved in available vertebrate species. In addition, this alteration is predicted to be tolerated by in silico analysis. Since supporting evidence is limited at this time, the clinical significance of this alteration remains unclear.

Center for Computational Biology & Bioinformatics, University of California, San Diego
Classification: Uncertain significance for Meniere disease. Last evaluated: 2024-06-03. Review status: no assertion criteria provided. Collection method: research. Allele origin: germline. Affected: yes. Not counted in ClinVar's aggregate classification.

NM_001148.6(ANK2):c.49A>G (p.Asn17Asp)

Gene: ANK2 (ankyrin 2; plus strand). Cytogenetic location: 4q25.
Variant type: single nucleotide variant.
Coding change: c.49A>G on transcript NM_001148.6 (MANE Select); coding-DNA position 49, A replaced by G.
Protein change: p.Asn17Asp; replaces asparagine 17 with aspartic acid.
Molecular consequence: missense variant. On other transcripts: intron variant (43).
Genome position (GRCh38, 1-based): chr4:113,049,777, A>G. VCF-style: chr4-113049777-A-G. GRCh37 (hg19) VCF-style: chr4-113970933-A-G.
Other names: c.49A>G, p.Asn17Asp (NM_001354225.2, NM_001354228.2, NM_001354232.2 and 10 more transcripts); c.73-124639A>G (NM_001386186.2, NM_001386148.2, NM_001354269.3 and 1 more transcripts); c.22-101303A>G (NM_001386147.1, NM_001386160.1, NM_001354261.2); c.22-124639A>G (NM_001354254.2, NM_001354239.2, NM_001354252.2 and 33 more transcripts); short protein forms N17D.
Identifiers: ClinVar variation 2585811 (VCV002585811.3), dbSNP rs1424055453, ClinGen allele CA357992742.